The following is an entry in ClinVar:

ClinVar aggregate classification (germline): Uncertain significance (1 of 4 stars; one submission).

Conditions:
Primary ciliary dyskinesia 33. Also called: CILIARY DYSKINESIA, PRIMARY, 33, WITHOUT SITUS INVERSUS. Identifiers: Orphanet 244, MedGen C4225230, MONDO:0014750, OMIM 616726.

Submission:

Labcorp Genetics (formerly Invitae), Labcorp
Classification: Uncertain significance for Primary ciliary dyskinesia 33. Last evaluated: 2025-07-31. Review status: criteria provided, single submitter. Criteria: Invitae Variant Classification Sherloc (09022015). Collection method: clinical testing. Allele origin: germline.
Comment: This sequence change replaces arginine, which is basic and polar, with serine, which is neutral and polar, at codon 68 of the GAS8 protein (p.Arg68Ser). This variant is not present in population databases (gnomAD no frequency). This variant has not been reported in the literature in individuals affected with GAS8-related conditions. Invitae Evidence Modeling of protein sequence and biophysical properties (such as structural, functional, and spatial information, amino acid conservation, physicochemical variation, residue mobility, and thermodynamic stability) indicates that this missense variant is not expected to disrupt GAS8 protein function with a negative predictive value of 80%. In summary, the available evidence is currently insufficient to determine the role of this variant in disease. Therefore, it has been classified as a Variant of Uncertain Significance.

NM_001481.3(DRC4):c.204G>T (p.Arg68Ser)

Gene: DRC4 (dynein regulatory complex subunit 4; plus strand). Cytogenetic location: 16q24.3.
Variant type: single nucleotide variant.
Coding change: c.204G>T on transcript NM_001481.3 (MANE Select); coding-DNA position 204, G replaced by T.
Protein change: p.Arg68Ser; replaces arginine 68 with serine.
Molecular consequence: missense variant. On other transcripts: 5 prime UTR variant (2).
Genome position (GRCh38, 1-based): chr16:90,031,412, G>T. VCF-style: chr16-90031412-G-T. GRCh37 (hg19) VCF-style: chr16-90097820-G-T.
Other names: c.-46G>T (NM_001286205.2); c.-318G>T (NM_001286208.2); c.129G>T, p.Arg43Ser (NM_001286209.2); short protein forms R43S, R68S.
Identifiers: ClinVar variation 4782995 (VCV004782995.1).